The following is an entry in ClinVar:

NM_000245.4(MET):c.*1326A>G

Gene: MET (MET proto-oncogene, receptor tyrosine kinase; plus strand). Cytogenetic location: 7q31.2.
Variant type: single nucleotide variant.
Coding change: c.*1326A>G on transcript NM_000245.4 (MANE Select); 1326 bases downstream of the stop codon, A replaced by G.
Molecular consequence: 3 prime UTR variant.
Genome position (GRCh38, 1-based): chr7:116,797,450, A>G. VCF-style: chr7-116797450-A-G. GRCh37 (hg19) VCF-style: chr7-116437504-A-G.
Other names: c.*1326A>G (LRG_662t1, NM_001127500.3, NM_001324402.2).
Identifiers: ClinVar variation 358716 (VCV000358716.6), dbSNP rs41739, ClinGen allele CA10623069.

ClinVar aggregate classification (germline): Benign. Review status: criteria provided, multiple submitters, no conflicts (2 of 4 stars). 2 submissions from 2 submitters: Benign (2). Last evaluated 2018-01-13.

Conditions:
Papillary renal cell carcinoma type 1 (RCCP1). Also called: RENAL CELL CARCINOMA, PAPILLARY, 1, SOMATIC; Renal adenocarcinoma; Renal cell carcinoma 1; Renal cell carcinoma, somatic. Identifiers: Orphanet 47044, MedGen C1336839, OMIM 605074, HP:0011797.

Allele frequency attached by ClinVar (database versions not stated): gnomAD 0.34010 and 0.34957; TOPMed 0.34498; 1000 Genomes Project 30x 0.34931; 1000 Genomes Project 0.35383; gnomAD exomes 0.44406.
gnomAD v4.1: 86,270 of 226,770 alleles (38%); highest among the groups gnomAD compares: East Asian, 49%; 18,769 homozygotes.

Submissions (2):

Illumina Laboratory Services, Illumina
Classification: Benign for Papillary renal cell carcinoma type 1. Last evaluated: 2018-01-13. Review status: criteria provided, single submitter. Criteria: ICSL Variant Classification Criteria 13 December 2019. Collection method: clinical testing. Allele origin: germline.
Comment: This variant was observed in the ICSL laboratory as part of a predisposition screen in an ostensibly healthy population. It had not been previously curated by ICSL or reported in the Human Gene Mutation Database (HGMD: prior to June 1st, 2018), and was therefore a candidate for classification through an automated scoring system. Utilizing variant allele frequency, disease prevalence and penetrance estimates, and inheritance mode, an automated score was calculated to assess if this variant is too frequent to cause the disease. Based on the score and internal cut-off values, a variant classified as benign is not then subjected to further curation. The score for this variant resulted in a classification of benign for this disease.

Breakthrough Genomics
Classification: Benign. Review status: criteria provided, single submitter. Criteria: ACMG Guidelines, 2015. Collection method: not provided. Allele origin: germline. Inheritance: Autosomal recessive inheritance. Affected: yes.